The following is an entry in ClinVar:

ClinVar aggregate classification (germline): Uncertain significance. Review status: criteria provided, multiple submitters, no conflicts (2 of 4 stars). 2 submissions from 2 submitters: Uncertain significance (2). Last evaluated 2023-03-01.

Conditions:
Cardiovascular phenotype. Identifiers: MedGen CN230736.
Alstrom syndrome (ALMS). Identifiers: Orphanet 64, MedGen C0268425, MONDO:0008763, OMIM 203800.

Submissions (2):

Ambry Genetics
Classification: Uncertain significance for Cardiovascular phenotype. Last evaluated: 2023-03-01. Review status: criteria provided, single submitter. Criteria: Ambry Variant Classification Scheme 2023. Collection method: clinical testing. Allele origin: germline.
Comment: The p.Q4131L variant (also known as c.12392A>T), located in coding exon 22 of the ALMS1 gene, results from an A to T substitution at nucleotide position 12392. The glutamine at codon 4131 is replaced by leucine, an amino acid with dissimilar properties. This amino acid position is not well conserved in available vertebrate species. In addition, this alteration is predicted to be tolerated by in silico analysis. Since supporting evidence is limited at this time, the clinical significance of this alteration remains unclear.

Labcorp Genetics (formerly Invitae), Labcorp
Classification: Uncertain significance for Alstrom syndrome. Last evaluated: 2022-10-04. Review status: criteria provided, single submitter. Criteria: Invitae Variant Classification Sherloc (09022015). Collection method: clinical testing. Allele origin: germline.
Comment: This sequence change replaces glutamine, which is neutral and polar, with leucine, which is neutral and non-polar, at codon 4131 of the ALMS1 protein (p.Gln4131Leu). This variant is not present in population databases (gnomAD no frequency). This variant has not been reported in the literature in individuals affected with ALMS1-related conditions. ClinVar contains an entry for this variant (Variation ID: 1382808). Experimental studies and prediction algorithms are not available or were not evaluated, and the functional significance of this variant is currently unknown. In summary, the available evidence is currently insufficient to determine the role of this variant in disease. Therefore, it has been classified as a Variant of Uncertain Significance.

NM_001378454.1(ALMS1):c.12389A>T (p.Gln4130Leu)

Gene: ALMS1 (ALMS1 centrosome and basal body associated protein; plus strand). Cytogenetic location: 2p13.1.
Variant type: single nucleotide variant.
Coding change: c.12389A>T on transcript NM_001378454.1 (MANE Select); coding-DNA position 12389, A replaced by T.
Protein change: p.Gln4130Leu; replaces glutamine 4130 with leucine.
Molecular consequence: missense variant.
Genome position (GRCh38, 1-based): chr2:73,608,501, A>T. VCF-style: chr2-73608501-A-T. GRCh37 (hg19) VCF-style: chr2-73835628-A-T.
Other names: c.12392A>T, p.Gln4131Leu (NM_015120.4); short protein forms Q4130L, Q4131L.
Identifiers: ClinVar variation 1382808 (VCV001382808.5), dbSNP rs371587051, ClinGen allele CA347274673.